The following is an entry in ClinVar:

NM_001083116.3(PRF1):c.1078_1079del (p.Leu360fs)

Gene: PRF1 (perforin 1; minus strand). Cytogenetic location: 10q22.1.
Variant type: Deletion.
Coding change: c.1078_1079del on transcript NM_001083116.3 (MANE Select); coding-DNA positions 1078 to 1079, 2 bases deleted (CT; older notation c.1078_1079delCT).
Protein change: p.Leu360fs; shifts the reading frame from leucine 360.
Molecular consequence: frameshift variant.
Genome position (GRCh38, 1-based): chr10:70,598,642-70,598,643, AG deleted on the plus strand (CT on the coding strand, the reverse complement: PRF1 is on the minus strand). VCF-style (leftmost placement, unchanged base first): chr10-70598641-CAG-C. GRCh37 (hg19) VCF-style: chr10-72358397-CAG-C.
Other names: c.1078_1079del, p.Leu360fs (NM_005041.6); short protein forms L360fs.
Identifiers: ClinVar variation 2678064 (VCV002678064.5), dbSNP rs1589232076, ClinGen allele CA918701966.

ClinVar aggregate classification (germline): Pathogenic/Likely pathogenic. Review status: criteria provided, multiple submitters, no conflicts (2 of 4 stars). 2 submissions from 2 submitters: Pathogenic (1); Likely pathogenic (1). Last evaluated 2024-03-04.

Conditions:
Aplastic anemia. Identifiers: Orphanet 182040, Orphanet 88, MedGen C0002874, MONDO:0015909, OMIM 609135, HP:0001915.
Familial hemophagocytic lymphohistiocytosis 2 (FHL2). Also called: PRF1-Related Familial Hemophagocytic Lymphohistiocytosis (PRF1-fHLH). Identifiers: Orphanet 540, MedGen C1863727, MONDO:0011337, OMIM 603553.

Allele frequency attached by ClinVar (database versions not stated): TOPMed below 0.00001; gnomAD 0.00001.

Submissions (2):

Baylor Genetics
Classification: Likely pathogenic for Aplastic anemia. Last evaluated: 2024-03-04. Review status: criteria provided, single submitter. Criteria: ACMG Guidelines, 2015. Collection method: clinical testing. Allele origin: unknown.

Labcorp Genetics (formerly Invitae), Labcorp
Classification: Pathogenic for Familial hemophagocytic lymphohistiocytosis 2. Last evaluated: 2023-07-09. Review status: criteria provided, single submitter. Criteria: Invitae Variant Classification Sherloc (09022015). Collection method: clinical testing. Allele origin: germline.
Comment: This variant disrupts a region of the PRF1 protein in which other variant(s) (p.Asp491Asn) have been determined to be pathogenic (PMID: 25577959, 33746956). This suggests that this is a clinically significant region of the protein, and that variants that disrupt it are likely to be disease-causing. This variant has not been reported in the literature in individuals affected with PRF1-related conditions. For these reasons, this variant has been classified as Pathogenic. This sequence change creates a premature translational stop signal (p.Leu360Glufs*97) in the PRF1 gene. While this is not anticipated to result in nonsense mediated decay, it is expected to disrupt the last 196 amino acid(s) of the PRF1 protein. This variant is not present in population databases (gnomAD no frequency).

Literature cited by the submitters: PubMed 25577959 (cited by Labcorp Genetics (formerly Invitae), Labcorp); PubMed 33746956 (cited by Labcorp Genetics (formerly Invitae), Labcorp).